The following is an entry in ClinVar:

NM_194248.3(OTOF):c.2215-83C>T

Gene: OTOF (otoferlin; minus strand). Cytogenetic location: 2p23.3.
Variant type: single nucleotide variant.
Coding change: c.2215-83C>T on transcript NM_194248.3 (MANE Select); 83 bases into the intron before coding-DNA position 2215, C replaced by T.
Molecular consequence: intron variant. On other transcripts: missense variant (1).
Genome position (GRCh38, 1-based): chr2:26,477,832, G>A on the plus strand (C>T on the coding strand, the complement: OTOF is on the minus strand). VCF-style: chr2-26477832-G-A. GRCh37 (hg19) VCF-style: chr2-26700700-G-A.
Other names: c.62C>T, p.Pro21Leu (NM_194322.3); c.2215-83C>T (NM_001287489.2); c.-28+12C>T (NM_194323.3, NM_004802.4); short protein forms P21L.
Identifiers: ClinVar variation 48191 (VCV000048191.7), dbSNP rs4665855, ClinGen allele CA142790.

ClinVar aggregate classification (germline): Benign/Likely benign. Review status: criteria provided, multiple submitters, no conflicts (2 of 4 stars). 4 submissions from 4 submitters: Benign (3); Likely benign (1). Last evaluated 2024-11-26.

Allele frequency attached by ClinVar (database versions not stated): ESP Exome Variant Server 0.41100; gnomAD exomes 0.43691 and 0.52405; gnomAD 0.46217 and 0.47132; TOPMed 0.47088; ExAC 0.55118; 1000 Genomes Project 30x 0.59447; 1000 Genomes Project 0.60264.

Submissions (4):

Blueprint Genetics
Classification: Likely benign. Last evaluated: 2024-11-26. Review status: criteria provided, single submitter. Criteria: ACMG Guidelines, 2015. Collection method: clinical testing. Allele origin: germline.

GeneDx
Classification: Benign. Last evaluated: 2017-05-09. Review status: criteria provided, single submitter. Criteria: GeneDx Variant Classification (06012015). Collection method: clinical testing. Allele origin: germline. Affected: yes.
Comment: This variant is considered likely benign or benign based on one or more of the following criteria: it is a conservative change, it occurs at a poorly conserved position in the protein, it is predicted to be benign by multiple in silico algorithms, and/or has population frequency not consistent with disease.

Laboratory for Molecular Medicine, Mass General Brigham Personalized Medicine
Classification: Benign. Last evaluated: 2012-05-07. Review status: criteria provided, single submitter. Criteria: LMM Criteria. Collection method: clinical testing. Allele origin: germline. Observed: 1,490 variant alleles.
Comment: Pro21Leu in exon 1 of OTOF: This variant is not expected to have clinical signif icance because it is has been identified in 5.4% (337/6988) of European American chromosomes and 28.3% (1051/3718) of African American chromosomes from a broad population by the NHLBI Exome sequencing project (VS/; dbSNP rs4665855).

Breakthrough Genomics
Classification: Benign. Review status: criteria provided, single submitter. Criteria: ACMG Guidelines, 2015. Collection method: not provided. Allele origin: germline. Inheritance: Autosomal recessive inheritance. Affected: yes.